The following is an entry in ClinVar:

ClinVar aggregate classification (germline): Uncertain significance (1 of 4 stars; one submission).

Conditions:
Baller-Gerold syndrome (BGS). Also called: CRANIOSYNOSTOSIS WITH RADIAL DEFECTS. Identifiers: Orphanet 1225, MedGen C0265308, MONDO:0009039, OMIM 218600.

Allele frequency attached by ClinVar (database versions not stated): TOPMed 0.00002.
gnomAD v4.1: 1 of 1,612,222 alleles (0.000062%); highest among the groups gnomAD compares: Non-Finnish European, 0.000085%; no homozygotes.

Submission:

Labcorp Genetics (formerly Invitae), Labcorp
Classification: Uncertain significance for Baller-Gerold syndrome. Last evaluated: 2023-11-06. Review status: criteria provided, single submitter. Criteria: Invitae Variant Classification Sherloc (09022015). Collection method: clinical testing. Allele origin: germline.
Comment: This sequence change replaces arginine, which is basic and polar, with proline, which is neutral and non-polar, at codon 1022 of the RECQL4 protein (p.Arg1022Pro). This variant is not present in population databases (gnomAD no frequency). This variant has not been reported in the literature in individuals affected with RECQL4-related conditions. ClinVar contains an entry for this variant (Variation ID: 459457). Advanced modeling of protein sequence and biophysical properties (such as structural, functional, and spatial information, amino acid conservation, physicochemical variation, residue mobility, and thermodynamic stability) performed at Invitae indicates that this missense variant is not expected to disrupt RECQL4 protein function with a negative predictive value of 80%. In summary, the available evidence is currently insufficient to determine the role of this variant in disease. Therefore, it has been classified as a Variant of Uncertain Significance.

NM_004260.4(RECQL4):c.3065G>C (p.Arg1022Pro)

Gene: RECQL4 (RecQ like helicase 4; minus strand). Cytogenetic location: 8q24.3.
Variant type: single nucleotide variant.
Coding change: c.3065G>C on transcript NM_004260.4 (MANE Select); coding-DNA position 3065, G replaced by C.
Protein change: p.Arg1022Pro; replaces arginine 1022 with proline.
Molecular consequence: missense variant.
Genome position (GRCh38, 1-based): chr8:144,512,315, C>G on the plus strand (G>C on the coding strand, the complement: RECQL4 is on the minus strand). VCF-style: chr8-144512315-C-G. GRCh37 (hg19) VCF-style: chr8-145737698-C-G.
Other names: short protein forms R1022P.
Identifiers: ClinVar variation 459457 (VCV000459457.4), dbSNP rs560476442, ClinGen allele CA372670902.
Genomic context (GRCh38, chr8:144,512,315, plus strand): 5'-TCCCCCGGGCTGCGAAGGTGGAAGGCCAGCTCACTGAACTCCACAAGCACCCCTGTCCCA[C>G]GCCGCACACCTGCCGGAAAGCATGTCAGATGCAGGCAGGCAGCGTCCAGGGCGGTGTGGG-3'
Protein context (NP_004251.4, residues 1012-1032): WDHEPRTGVR[Arg1022Pro]GTGVLVEFSE